The following is an entry in ClinVar:

ClinVar aggregate classification (germline): Benign. Review status: criteria provided, multiple submitters, no conflicts (2 of 4 stars). 2 submissions from 2 submitters: Benign (2). Last evaluated 2018-06-19.

Allele frequency attached by ClinVar (database versions not stated): TOPMed 0.28024; 1000 Genomes Project 0.29772; 1000 Genomes Project 30x 0.30340.
gnomAD v4.1: 263,454 of 1,246,246 alleles (21%); highest among the groups gnomAD compares: African/African-American, 44%; 30,565 homozygotes.

Submissions (2):

GeneDx
Classification: Benign. Last evaluated: 2018-06-19. Review status: criteria provided, single submitter. Criteria: GeneDx Variant Classification (06012015). Collection method: clinical testing. Allele origin: germline. Affected: yes.
Comment: This variant is considered likely benign or benign based on one or more of the following criteria: it is a conservative change, it occurs at a poorly conserved position in the protein, it is predicted to be benign by multiple in silico algorithms, and/or has population frequency not consistent with disease.

Breakthrough Genomics
Classification: Benign. Review status: criteria provided, single submitter. Criteria: ACMG Guidelines, 2015. Collection method: not provided. Allele origin: germline. Inheritance: Autosomal recessive inheritance. Affected: yes.

NM_003640.5(ELP1):c.2588-97A>G

Gene: ELP1 (elongator acetyltransferase complex subunit 1; minus strand). Cytogenetic location: 9q31.3.
Variant type: single nucleotide variant.
Coding change: c.2588-97A>G on transcript NM_003640.5 (MANE Select); 97 bases into the intron before coding-DNA position 2588, A replaced by G.
Molecular consequence: intron variant.
Genome position (GRCh38, 1-based): chr9:108,896,741, T>C on the plus strand (A>G on the coding strand, the complement: ELP1 is on the minus strand). VCF-style: chr9-108896741-T-C. GRCh37 (hg19) VCF-style: chr9-111659021-T-C.
Other names: c.2246-97A>G (NM_001318360.2); c.1541-97A>G (NM_001330749.2).
Identifiers: ClinVar variation 673444 (VCV000673444.2), dbSNP rs2275626, ClinGen allele CA15596902.